The following is an entry in ClinVar:

ClinVar aggregate classification (germline): Uncertain significance. Review status: criteria provided, multiple submitters, no conflicts (2 of 4 stars). 2 submissions from 2 submitters: Uncertain significance (2). Last evaluated 2025-06-12.

Allele frequency attached by ClinVar (database versions not stated): gnomAD 0.00001; TOPMed below 0.00001; ExAC 0.00002.

Submissions (2):

Labcorp Genetics (formerly Invitae), Labcorp
Classification: Uncertain significance. Last evaluated: 2025-06-12. Review status: criteria provided, single submitter. Criteria: Invitae Variant Classification Sherloc (09022015). Collection method: clinical testing. Allele origin: germline.
Comment: This sequence change replaces serine, which is neutral and polar, with leucine, which is neutral and non-polar, at codon 727 of the KIF23 protein (p.Ser727Leu). This variant is present in population databases (rs767875936, gnomAD 0.007%). This variant has not been reported in the literature in individuals affected with KIF23-related conditions. ClinVar contains an entry for this variant (Variation ID: 2433135). An algorithm developed to predict the effect of missense changes on protein structure and function (PolyPhen-2) suggests that this variant is likely to be tolerated. In summary, the available evidence is currently insufficient to determine the role of this variant in disease. Therefore, it has been classified as a Variant of Uncertain Significance.

Revvity Omics, Revvity
Classification: Uncertain significance. Last evaluated: 2022-02-01. Review status: criteria provided, single submitter. Criteria: ACMG Guidelines, 2015. Collection method: clinical testing. Allele origin: germline.

NM_001367805.3(KIF23):c.2222C>T (p.Ser741Leu)

Gene: KIF23 (kinesin family member 23; plus strand). Cytogenetic location: 15q23.
Variant type: single nucleotide variant.
Coding change: c.2222C>T on transcript NM_001367805.3 (MANE Select); coding-DNA position 2222, C replaced by T.
Protein change: p.Ser741Leu; replaces serine 741 with leucine.
Molecular consequence: missense variant. On other transcripts: non-coding transcript variant (1), intron variant (1).
Genome position (GRCh38, 1-based): chr15:69,440,880, C>T. VCF-style: chr15-69440880-C-T. GRCh37 (hg19) VCF-style: chr15-69733219-C-T.
Other names: c.1850C>T, p.Ser617Leu (NM_001281301.2); c.2180C>T, p.Ser727Leu (NM_001367804.2, NM_138555.4); c.2067+393C>T (NM_004856.7); short protein forms S617L, S727L, S741L.
Identifiers: ClinVar variation 2433135 (VCV002433135.6), dbSNP rs767875936, ClinGen allele CA7635353.